The following is an entry in ClinVar:

ClinVar aggregate classification (germline): Uncertain significance (1 of 4 stars; one submission).

Allele frequency attached by ClinVar (database versions not stated): gnomAD 0.00001; gnomAD exomes 0.00001; TOPMed 0.00004.
gnomAD v4.1: 16 of 1,606,872 alleles (0.001%); highest among the groups gnomAD compares: African/African-American, 0.0013%; no homozygotes.

Submission:

GeneDx
Classification: Uncertain significance. Last evaluated: 2019-09-05. Review status: criteria provided, single submitter. Criteria: GeneDx Variant Classification Process June 2021. Collection method: clinical testing. Allele origin: germline. Affected: yes.
Comment: Not observed at a significant frequency in large population cohorts, and no individuals were reported to be homozygous (Lek et al., 2016); In silico analysis, which includes protein predictors and evolutionary conservation, supports that this variant does not alter protein structure/function; Has not been previously published as pathogenic or benign to our knowledge

NM_199242.3(UNC13D):c.3034G>A (p.Asp1012Asn)

Gene: UNC13D (unc-13 homolog D; minus strand). Cytogenetic location: 17q25.1.
Variant type: single nucleotide variant.
Coding change: c.3034G>A on transcript NM_199242.3 (MANE Select); coding-DNA position 3034, G replaced by A.
Protein change: p.Asp1012Asn; replaces aspartic acid 1012 with asparagine.
Molecular consequence: missense variant.
Genome position (GRCh38, 1-based): chr17:75,828,904, C>T on the plus strand (G>A on the coding strand, the complement: UNC13D is on the minus strand). VCF-style: chr17-75828904-C-T. GRCh37 (hg19) VCF-style: chr17-73824985-C-T.
Other names: short protein forms D1012N.
Identifiers: ClinVar variation 1311205 (VCV001311205.2), dbSNP rs1240859315, ClinGen allele CA401074837.